The following is an entry in ClinVar:

ClinVar aggregate classification (germline): Uncertain significance (1 of 4 stars; one submission).

Allele frequency attached by ClinVar (database versions not stated): gnomAD exomes below 0.00001.
gnomAD v4.1: 5 of 1,614,016 alleles (0.00031%); highest among the groups gnomAD compares: Non-Finnish European, 0.00017%; no homozygotes.

Submission:

Labcorp Genetics (formerly Invitae), Labcorp
Classification: Uncertain significance. Last evaluated: 2025-12-08. Review status: criteria provided, single submitter. Criteria: Invitae Variant Classification Sherloc (09022015). Collection method: clinical testing. Allele origin: germline.
Comment: This sequence change replaces tryptophan, which is neutral and slightly polar, with cysteine, which is neutral and slightly polar, at codon 2974 of the VCAN protein (p.Trp2974Cys). This variant is not present in population databases (gnomAD no frequency). This variant has not been reported in the literature in individuals affected with VCAN-related conditions. ClinVar contains an entry for this variant (Variation ID: 2989451). An algorithm developed to predict the effect of missense changes on protein structure and function (PolyPhen-2) suggests that this variant is likely to be disruptive. In summary, the available evidence is currently insufficient to determine the role of this variant in disease. Therefore, it has been classified as a Variant of Uncertain Significance.

NM_004385.5(VCAN):c.8922G>T (p.Trp2974Cys)

Genes: VCAN (versican; plus strand), VCAN-AS1 (VCAN antisense RNA 1; minus strand). Cytogenetic location: 5q14.3.
Variant type: single nucleotide variant.
Coding change: c.8922G>T on transcript NM_004385.5 (MANE Select); coding-DNA position 8922, G replaced by T.
Protein change: p.Trp2974Cys; replaces tryptophan 2974 with cysteine.
Molecular consequence: missense variant. On other transcripts: intron variant (2).
Genome position (GRCh38, 1-based): chr5:83,541,925, G>T. VCF-style: chr5-83541925-G-T. GRCh37 (hg19) VCF-style: chr5-82837744-G-T.
Other names: c.5961G>T, p.Trp1987Cys (NM_001164097.2); c.4004-3612G>T (NM_001164098.2); c.1043-3612G>T (NM_001126336.3); short protein forms W2974C, W1987C.
Identifiers: ClinVar variation 2989451 (VCV002989451.3), dbSNP rs2479125411, ClinGen allele CA360294470.